The following is an entry in ClinVar:

NC_000019.9:g.(?_38954043)_(38955382_?)del

Gene: RYR1 (ryanodine receptor 1; plus strand). Cytogenetic location: 19q13.2.
Variant type: Deletion.
Identifiers: ClinVar variation 3248524 (VCV003248524.1).

ClinVar aggregate classification (germline): Pathogenic (1 of 4 stars; one submission).

Conditions:
RYR1-related disorder. Also called: RYR1-related disorders; RYR1-related condition. Identifiers: MedGen CN239331.

Submission:

Labcorp Genetics (formerly Invitae), Labcorp
Classification: Pathogenic for RYR1-related disorder. Last evaluated: 2023-09-03. Review status: criteria provided, single submitter. Criteria: Invitae Variant Classification Sherloc (09022015). Collection method: clinical testing. Allele origin: unknown.
Comment: This variant has not been reported in the literature in individuals affected with RYR1-related conditions. This variant is a gross deletion of the genomic region encompassing exon(s) 21-23 of the RYR1 gene. This deletion is out-of-frame, and is expected to create a premature termination codon and result in an absent or disrupted protein product. Loss-of-function variants in RYR1 are known to be pathogenic (PMID: 23919265, 25960145, 28818389, 30611313). For these reasons, this variant has been classified as Pathogenic.

Literature cited by the submitters: PubMed 23919265; PubMed 25960145; PubMed 28818389; PubMed 30611313.